The following is an entry in ClinVar:

ClinVar aggregate classification (germline): Uncertain significance. Review status: criteria provided, multiple submitters, no conflicts (2 of 4 stars). 2 submissions from 2 submitters: Uncertain significance (2). Last evaluated 2023-09-28.

Conditions:
LAMA2-related muscular dystrophy (LAMA2-RD). Also called: Laminin alpha 2-related dystrophy. Identifiers: MedGen C5679788, MONDO:0100228.

Submissions (2):

Revvity Omics, Revvity
Classification: Uncertain significance. Last evaluated: 2023-09-28. Review status: criteria provided, single submitter. Criteria: ACMG Guidelines, 2015. Collection method: clinical testing. Allele origin: germline.

Labcorp Genetics (formerly Invitae), Labcorp
Classification: Uncertain significance for LAMA2-related muscular dystrophy. Last evaluated: 2021-10-05. Review status: criteria provided, single submitter. Criteria: Invitae Variant Classification Sherloc (09022015). Collection method: clinical testing. Allele origin: germline.
Comment: This sequence change replaces isoleucine with methionine at codon 288 of the LAMA2 protein (p.Ile288Met). The isoleucine residue is moderately conserved and there is a small physicochemical difference between isoleucine and methionine. This variant is not present in population databases (ExAC no frequency). This variant has not been reported in the literature in individuals affected with LAMA2-related conditions. Advanced modeling of protein sequence and biophysical properties (such as structural, functional, and spatial information, amino acid conservation, physicochemical variation, residue mobility, and thermodynamic stability) performed at Invitae indicates that this missense variant is not expected to disrupt LAMA2 protein function. In summary, the available evidence is currently insufficient to determine the role of this variant in disease. Therefore, it has been classified as a Variant of Uncertain Significance.

NM_000426.4(LAMA2):c.864C>G (p.Ile288Met)

Gene: LAMA2 (laminin subunit alpha 2; plus strand). Cytogenetic location: 6q22.33.
Variant type: single nucleotide variant.
Coding change: c.864C>G on transcript NM_000426.4 (MANE Select); coding-DNA position 864, C replaced by G.
Protein change: p.Ile288Met; replaces isoleucine 288 with methionine.
Molecular consequence: missense variant.
Genome position (GRCh38, 1-based): chr6:129,147,003, C>G. VCF-style: chr6-129147003-C-G. GRCh37 (hg19) VCF-style: chr6-129468148-C-G.
Other names: c.864C>G (NM_000426.3); c.864C>G, p.Ile288Met (NM_001079823.2); short protein forms I288M.
Identifiers: ClinVar variation 1384735 (VCV001384735.4), dbSNP rs1562275875, ClinGen allele CA365606363.